The following is an entry in ClinVar:

NM_001368882.1(COL13A1):c.1882G>A (p.Ala628Thr)

Gene: COL13A1 (collagen type XIII alpha 1 chain; plus strand). Cytogenetic location: 10q22.1.
Variant type: single nucleotide variant.
Coding change: c.1882G>A on transcript NM_001368882.1 (MANE Select); coding-DNA position 1882, G replaced by A.
Protein change: p.Ala628Thr; replaces alanine 628 with threonine.
Molecular consequence: missense variant. On other transcripts: intron variant (10).
Genome position (GRCh38, 1-based): chr10:69,940,991, G>A. VCF-style: chr10-69940991-G-A. GRCh37 (hg19) VCF-style: chr10-71700747-G-A.
Other names: c.1849G>A, p.Ala617Thr (NM_001130103.2); c.1759G>A, p.Ala587Thr (NM_001368883.1); c.1591G>A, p.Ala531Thr (NM_001368896.1); c.1633G>A, p.Ala545Thr (NM_080798.4); c.1783G>A, p.Ala595Thr (NM_080801.4); c.1771-3134G>A (NM_001320951.2); c.1729-3134G>A (NM_001368884.1); c.1735-3134G>A (NM_080802.4); and 7 more; short protein forms A531T, A545T, A587T, A595T, A617T, A628T.
Identifiers: ClinVar variation 1964061 (VCV001964061.5), dbSNP rs751905771, ClinGen allele CA5534976.

ClinVar aggregate classification (germline): Uncertain significance (1 of 4 stars; one submission).

Allele frequency attached by ClinVar (database versions not stated): gnomAD 0.00001; gnomAD exomes 0.00001; TOPMed 0.00001; ExAC 0.00002.
gnomAD v4.1: 4 of 1,613,686 alleles (0.00025%); highest among the groups gnomAD compares: East Asian, 0.0022%; no homozygotes.

Submission:

Labcorp Genetics (formerly Invitae), Labcorp
Classification: Uncertain significance. Last evaluated: 2022-06-07. Review status: criteria provided, single submitter. Criteria: Invitae Variant Classification Sherloc (09022015). Collection method: clinical testing. Allele origin: germline.
Comment: This sequence change replaces alanine, which is neutral and non-polar, with threonine, which is neutral and polar, at codon 617 of the COL13A1 protein (p.Ala617Thr). This variant is present in population databases (rs751905771, gnomAD 0.006%). This variant has not been reported in the literature in individuals affected with COL13A1-related conditions. Algorithms developed to predict the effect of missense changes on protein structure and function (SIFT, PolyPhen-2, Align-GVGD) all suggest that this variant is likely to be disruptive. In summary, the available evidence is currently insufficient to determine the role of this variant in disease. Therefore, it has been classified as a Variant of Uncertain Significance.